The following is an entry in ClinVar:

ClinVar aggregate classification (germline): Uncertain significance (1 of 4 stars; one submission).

Allele frequency attached by ClinVar (database versions not stated): gnomAD exomes 0.00005; TOPMed 0.00006; ExAC 0.00008; ESP Exome Variant Server 0.00008; gnomAD 0.00003.
gnomAD v4.1: 83 of 1,606,320 alleles (0.0052%); highest among the groups gnomAD compares: Non-Finnish European, 0.0062%; no homozygotes.

Submission:

Labcorp Genetics (formerly Invitae), Labcorp
Classification: Uncertain significance. Last evaluated: 2023-08-10. Review status: criteria provided, single submitter. Criteria: Invitae Variant Classification Sherloc (09022015). Collection method: clinical testing. Allele origin: germline.
Comment: This sequence change replaces threonine, which is neutral and polar, with methionine, which is neutral and non-polar, at codon 592 of the CAST protein (p.Thr592Met). This variant is present in population databases (rs201451322, gnomAD 0.01%). This variant has not been reported in the literature in individuals affected with CAST-related conditions. ClinVar contains an entry for this variant (Variation ID: 2075443). An algorithm developed to predict the effect of missense changes on protein structure and function (PolyPhen-2) suggests that this variant is likely to be disruptive. In summary, the available evidence is currently insufficient to determine the role of this variant in disease. Therefore, it has been classified as a Variant of Uncertain Significance.

NM_001750.7(CAST):c.1898C>T (p.Thr633Met)

Genes: CAST (calpastatin; plus strand), ERAP1 (endoplasmic reticulum aminopeptidase 1; minus strand). Cytogenetic location: 5q15.
Variant type: single nucleotide variant.
Coding change: c.1898C>T on transcript NM_001750.7 (MANE Select); coding-DNA position 1898, C replaced by T.
Protein change: p.Thr633Met; replaces threonine 633 with methionine.
Molecular consequence: missense variant. On other transcripts: 3 prime UTR variant (2), non-coding transcript variant (1).
Genome position (GRCh38, 1-based): chr5:96,762,338, C>T. VCF-style: chr5-96762338-C-T. GRCh37 (hg19) VCF-style: chr5-96098042-C-T.
Other names: c.*862G>A (NM_001349244.2, NM_016442.5); c.1775C>T, p.Thr592Met (NM_001042440.5, NM_001330627.2); c.1841C>T, p.Thr614Met (NM_001042441.3); c.1832C>T, p.Thr611Met (NM_001042442.3); c.1649C>T, p.Thr550Met (NM_001042443.3, NM_001423250.1); c.1526C>T, p.Thr509Met (NM_001042444.3, NM_001284212.4); c.1544C>T, p.Thr515Met (NM_001042445.3, NM_001423255.1, NM_001423256.1 and 3 more transcripts); c.1487C>T, p.Thr496Met (NM_001042446.3, NM_001330630.2, NM_001423260.1); and 9 more; short protein forms T496M, T509M, T518M, T537M, T601M, T614M, T633M, T531M.
Identifiers: ClinVar variation 2075443 (VCV002075443.3), dbSNP rs201451322, ClinGen allele CA3351511.